The following is an entry in ClinVar:

ClinVar aggregate classification (germline): Uncertain significance (1 of 4 stars; one submission).

Conditions:
Catecholaminergic polymorphic ventricular tachycardia 1. Also called: VENTRICULAR TACHYCARDIA, CATECHOLAMINERGIC POLYMORPHIC, 1, WITH OR WITHOUT ATRIAL DYSFUNCTION AND/OR DILATED CARDIOMYOPATHY; VENTRICULAR TACHYCARDIA, STRESS-INDUCED POLYMORPHIC 1; RYR2-Related Catecholaminergic Polymorphic Ventricular Tachycardia. Identifiers: Orphanet 3286, MedGen C1631597, MONDO:0011484, OMIM 604772.

Allele frequency attached by ClinVar (database versions not stated): gnomAD exomes below 0.00001.

Submission:

Labcorp Genetics (formerly Invitae), Labcorp
Classification: Uncertain significance for Catecholaminergic polymorphic ventricular tachycardia 1. Last evaluated: 2023-06-07. Review status: criteria provided, single submitter. Criteria: Invitae Variant Classification Sherloc (09022015). Collection method: clinical testing. Allele origin: germline.
Comment: In summary, the available evidence is currently insufficient to determine the role of this variant in disease. Therefore, it has been classified as a Variant of Uncertain Significance. Advanced modeling of protein sequence and biophysical properties (such as structural, functional, and spatial information, amino acid conservation, physicochemical variation, residue mobility, and thermodynamic stability) has been performed at Invitae for this missense variant, however the output from this modeling did not meet the statistical confidence thresholds required to predict the impact of this variant on RYR2 protein function. This sequence change replaces arginine, which is basic and polar, with histidine, which is basic and polar, at codon 545 of the RYR2 protein (p.Arg545His). This variant is not present in population databases (gnomAD no frequency). This variant has not been reported in the literature in individuals affected with RYR2-related conditions.

NM_001035.3(RYR2):c.1634G>A (p.Arg545His)

Gene: RYR2 (ryanodine receptor 2; plus strand). Cytogenetic location: 1q43.
Variant type: single nucleotide variant.
Coding change: c.1634G>A on transcript NM_001035.3 (MANE Select); coding-DNA position 1634, G replaced by A.
Protein change: p.Arg545His; replaces arginine 545 with histidine.
Molecular consequence: missense variant.
Genome position (GRCh38, 1-based): chr1:237,469,113, G>A. VCF-style: chr1-237469113-G-A. GRCh37 (hg19) VCF-style: chr1-237632413-G-A.
Other names: short protein forms R545H.
Identifiers: ClinVar variation 3006059 (VCV003006059.3), dbSNP rs1660399878, ClinGen allele CA345383654.